The following is an entry in ClinVar:

ClinVar aggregate classification (germline): Pathogenic/Likely pathogenic. Review status: criteria provided, multiple submitters, no conflicts (2 of 4 stars). 2 submissions from 2 submitters: Pathogenic (1); Likely pathogenic (1). Last evaluated 2022-03-30.

Conditions:
Pendred syndrome (PDS). Also called: Pendred Syndrome (PDS); GOITER-DEAFNESS SYNDROME; HYPOTHYROIDISM, CONGENITAL, DUE TO DYSHORMONOGENESIS, 2B; Pendred's syndrome; DEAFNESS WITH GOITER; THYROID DYSHORMONOGENESIS 2B. Identifiers: Orphanet 705, MedGen C0271829, MONDO:0010134, OMIM 274600.

Submissions (2):

Myriad Genetics, Inc.
Classification: Likely pathogenic for Pendred syndrome. Last evaluated: 2022-03-30. Review status: criteria provided, single submitter. Criteria: Myriad Women's Health Autosomal Recessive and X-Linked Classification Criteria (2021). Collection method: clinical testing. Allele origin: unknown.
Comment: NM_000441.1(SLC26A4):c.915delT(I305Mfs*2) is expected to be pathogenic in the context of Pendred syndrome. This variant is predicted to lead to an abnormal or absent protein product due to the creation of a premature termination codon in SLC26A4, a gene where loss-of-function variants are known to be pathogenic. Please note: this variant was assessed in the context of healthy population screening.

Labcorp Genetics (formerly Invitae), Labcorp
Classification: Pathogenic. Last evaluated: 2022-03-05. Review status: criteria provided, single submitter. Criteria: Invitae Variant Classification Sherloc (09022015). Collection method: clinical testing. Allele origin: germline.
Comment: This variant is not present in population databases (gnomAD no frequency). This variant has not been reported in the literature in individuals affected with SLC26A4-related conditions. For these reasons, this variant has been classified as Pathogenic. This sequence change creates a premature translational stop signal (p.Ile305Metfs*2) in the SLC26A4 gene. It is expected to result in an absent or disrupted protein product. Loss-of-function variants in SLC26A4 are known to be pathogenic (PMID: 16283880, 25394566, 26252218, 26445815).

Literature cited by the submitters: PubMed 16283880 (cited by Labcorp Genetics (formerly Invitae), Labcorp); PubMed 25394566 (cited by Labcorp Genetics (formerly Invitae), Labcorp); PubMed 26252218 (cited by Labcorp Genetics (formerly Invitae), Labcorp); PubMed 26445815 (cited by Labcorp Genetics (formerly Invitae), Labcorp).

NM_000441.2(SLC26A4):c.915del (p.Ile305fs)

Gene: SLC26A4 (solute carrier family 26 member 4; plus strand). Cytogenetic location: 7q22.3.
Variant type: Deletion.
Coding change: c.915del on transcript NM_000441.2 (MANE Select); coding-DNA position 915, one base deleted (T; older notation c.915delT).
Protein change: p.Ile305fs; shifts the reading frame from isoleucine 305.
Molecular consequence: frameshift variant.
Genome position (GRCh38, 1-based): chr7:107,683,351, T deleted; the last of 2 consecutive T bases (chr7:107,683,350-107,683,351); deleting either gives the same sequence. VCF-style (leftmost placement, unchanged base first): chr7-107683349-AT-A. GRCh37 (hg19) VCF-style: chr7-107323794-AT-A.
Other names: short protein forms I305fs.
Identifiers: ClinVar variation 1725558 (VCV001725558.7), dbSNP rs2535310397, ClinGen allele CA2578988667.